The following is an entry in ClinVar:

ClinVar aggregate classification (germline): Conflicting classifications of pathogenicity. Review status: criteria provided, conflicting classifications (1 of 4 stars). 3 submissions from 3 submitters: Uncertain significance (2); Likely benign (1). Last evaluated 2026-10-01.

Conditions:
Predisposition to Wilms tumor.

Allele frequency attached by ClinVar (database versions not stated): gnomAD exomes below 0.00001; ExAC 0.00001; gnomAD 0.00001.
gnomAD v4.1: 12 of 1,614,006 alleles (0.00074%); highest among the groups gnomAD compares: Admixed American, 0.0017%; no homozygotes.

Submissions (3):

St. Jude Molecular Pathology, St. Jude Children's Research Hospital
Classification: Uncertain significance for Predisposition to Wilms tumor. Last evaluated: 2026-10-01. Review status: criteria provided, single submitter. Criteria: St. Jude Assertion Criteria 2020. Collection method: clinical testing. Allele origin: germline.
Comment: The CTR9 c.3178G>A p.(Asp1060Asn) missense change has a maximum subpopulation frequency of 0.003% in gnomAD v2.1.1. The in silico tool REVEL predicts a benign effect on protein function, but to our knowledge this prediction has not been confirmed by functional studies. To our knowledge, this variant has not been reported in individuals with Wilms tumor. In summary, the evidence currently available is insufficient to determine the clinical significance of this variant. It has therefore been classified as of uncertain significance.

GeneDx
Classification: Uncertain significance. Last evaluated: 2024-12-19. Review status: criteria provided, single submitter. Criteria: GeneDx Variant Classification Process June 2021. Collection method: clinical testing. Allele origin: germline. Affected: yes.
Comment: Not observed at significant frequency in large population cohorts (gnomAD); In silico analysis indicates that this missense variant does not alter protein structure/function; Has not been previously published as pathogenic or benign to our knowledge

Labcorp Genetics (formerly Invitae), Labcorp
Classification: Likely benign. Last evaluated: 2024-10-23. Review status: criteria provided, single submitter. Criteria: Invitae Variant Classification Sherloc (09022015). Collection method: clinical testing. Allele origin: germline.

NM_014633.5(CTR9):c.3178G>A (p.Asp1060Asn)

Gene: CTR9 (CTR9 component of Paf1/RNA polymerase II complex; plus strand). Cytogenetic location: 11p15.4.
Variant type: single nucleotide variant.
Coding change: c.3178G>A on transcript NM_014633.5 (MANE Select); coding-DNA position 3178, G replaced by A.
Protein change: p.Asp1060Asn; replaces aspartic acid 1060 with asparagine.
Molecular consequence: missense variant.
Genome position (GRCh38, 1-based): chr11:10,778,761, G>A. VCF-style: chr11-10778761-G-A. GRCh37 (hg19) VCF-style: chr11-10800308-G-A.
Other names: c.3178G>A (NM_014633.4); c.3106G>A, p.Asp1036Asn (NM_001346279.2); short protein forms D1036N, D1060N.
Identifiers: ClinVar variation 1436948 (VCV001436948.8), dbSNP rs748843627, ClinGen allele CA5885535.